The following is an entry in ClinVar:

NM_000052.7(ATP7A):c.2918G>T (p.Gly973Val)

Gene: ATP7A (ATPase copper transporting alpha; plus strand). Cytogenetic location: Xq21.1.
Variant type: single nucleotide variant.
Coding change: c.2918G>T on transcript NM_000052.7 (MANE Select); coding-DNA position 2918, G replaced by T.
Protein change: p.Gly973Val; replaces glycine 973 with valine.
Molecular consequence: missense variant.
Genome position (GRCh38, 1-based): chrX:78,029,251, G>T. VCF-style: chrX-78029251-G-T. GRCh37 (hg19) VCF-style: chrX-77284748-G-T.
Other names: c.2684G>T, p.Gly895Val (NM_001282224.2); short protein forms G895V, G973V.
Identifiers: ClinVar variation 1931460 (VCV001931460.5), dbSNP rs2522392138, ClinGen allele CA413603007.
Genomic context (GRCh38, chrX:78,029,251, plus strand): 5'-TGTCTTTTGTTTTGTACAGCTCTAAATCAATAACCAAAATTTATGCCTTTCTTCTAAAGG[G>T]CTACAATAGAAGTATCTCCCGAACAGAAACGATAATACGATTTGCTTTCCAAGCCTCTAT-3'
Protein context (NP_000043.4, residues 963-983): NFEIVETYFP[Gly973Val]YNRSISRTET

ClinVar aggregate classification (germline): Uncertain significance (1 of 4 stars; one submission).

Conditions:
Menkes kinky-hair syndrome (MNK). Also called: Classic Menkes Disease; Copper transport disease; Menkes Disease. Identifiers: Orphanet 565, MedGen C0022716, MONDO:0010651, OMIM 309400.
X-linked distal spinal muscular atrophy type 3. Also called: NEURONOPATHY, DISTAL HEREDITARY MOTOR, X-LINKED; NEUROPATHY, DISTAL HEREDITARY MOTOR, X-LINKED; ATP7A-Related Distal Motor Neuropathy; SPINAL MUSCULAR ATROPHY, DISTAL, X-LINKED RECESSIVE. Identifiers: Orphanet 139557, MedGen C1845359, MONDO:0010338, OMIM 300489.
Cutis laxa, X-linked (OHS). Also called: EDS IX; Occipital horn syndrome. Identifiers: Orphanet 198, MedGen C0268353, MONDO:0010572, OMIM 304150.

Submission:

Labcorp Genetics (formerly Invitae), Labcorp
Classification: Uncertain significance for X-linked distal spinal muscular atrophy type 3; Cutis laxa, X-linked; Menkes kinky-hair syndrome. Last evaluated: 2022-09-14. Review status: criteria provided, single submitter. Criteria: Invitae Variant Classification Sherloc (09022015). Collection method: clinical testing. Allele origin: germline.
Comment: This sequence change replaces glycine, which is neutral and non-polar, with valine, which is neutral and non-polar, at codon 973 of the ATP7A protein (p.Gly973Val). This variant is not present in population databases (gnomAD no frequency). This variant has not been reported in the literature in individuals affected with ATP7A-related conditions. Algorithms developed to predict the effect of missense changes on protein structure and function are either unavailable or do not agree on the potential impact of this missense change (SIFT: "Deleterious"; PolyPhen-2: "Possibly Damaging"; Align-GVGD: "Class C0"). Algorithms developed to predict the effect of sequence changes on RNA splicing suggest that this variant may create or strengthen a splice site. In summary, the available evidence is currently insufficient to determine the role of this variant in disease. Therefore, it has been classified as a Variant of Uncertain Significance.